The following is an entry in ClinVar:

NM_004006.3(DMD):c.6322C>T (p.Arg2108Cys)

Gene: DMD (dystrophin; minus strand). Cytogenetic location: Xp21.1.
Variant type: single nucleotide variant.
Coding change: c.6322C>T on transcript NM_004006.3 (MANE Select); coding-DNA position 6322, C replaced by T.
Protein change: p.Arg2108Cys; replaces arginine 2108 with cysteine.
Molecular consequence: missense variant.
Genome position (GRCh38, 1-based): chrX:32,217,032, G>A on the plus strand (C>T on the coding strand, the complement: DMD is on the minus strand). VCF-style: chrX-32217032-G-A. GRCh37 (hg19) VCF-style: chrX-32235149-G-A.
Other names: p.R2108C:CGT>TGT; c.6298C>T, p.Arg2100Cys (NM_000109.4); c.6310C>T, p.Arg2104Cys (NM_004009.3); c.5953C>T, p.Arg1985Cys (NM_004010.3); c.2299C>T, p.Arg767Cys (NM_004011.4); c.2290C>T, p.Arg764Cys (NM_004012.4); short protein forms R2108C, R764C, R1985C, R2100C, R767C, R2104C.
Identifiers: ClinVar variation 94703 (VCV000094703.36), dbSNP rs16990169, ClinGen allele CA285589.

ClinVar aggregate classification (germline): Benign/Likely benign. Review status: criteria provided, multiple submitters, no conflicts (2 of 4 stars). 13 submissions from 13 submitters: Benign (10); Likely benign (2). 1 of the submissions does not count toward it. Last evaluated 2026-02-04.

Conditions:
Cardiovascular phenotype. Identifiers: MedGen CN230736.
Dystrophin deficiency.
Becker muscular dystrophy (BMD). Also called: MUSCULAR DYSTROPHY, PSEUDOHYPERTROPHIC PROGRESSIVE, BECKER TYPE; Becker Muscular Dystrophy (BMD). Identifiers: Orphanet 98895, MedGen C0917713, MONDO:0010311, OMIM 300376.
Cardiomyopathy (CMYO). Also called: Cardiomyopathies. Identifiers: Orphanet 167848, MedGen C0878544, MONDO:0004994, HP:0001638. Inheritance: Various modes of inheritance.
Duchenne muscular dystrophy (DMD). Also called: Duchenne Muscular Dystrophy (DMD); MUSCULAR DYSTROPHY, PSEUDOHYPERTROPHIC PROGRESSIVE, DUCHENNE TYPE. Identifiers: Orphanet 98896, MedGen C0013264, MONDO:0010679, OMIM 310200.
Dilated cardiomyopathy 3B (CMD3B). Also called: CMD3B: DMD-Related Dilated Cardiomyopathy; CARDIOMYOPATHY, DILATED, X-LINKED; DMD-Associated Dilated Cardiomyopathy. Identifiers: Orphanet 154, MedGen C3668940, MONDO:0010542, OMIM 302045.

Allele frequency attached by ClinVar (database versions not stated): gnomAD exomes 0.00107 and 0.00294; TOPMed 0.01122; gnomAD 0.00945 and 0.00981; ESP Exome Variant Server 0.01184; 1000 Genomes Project 30x 0.01478; ExAC 0.00374; 1000 Genomes Project 0.01325.
gnomAD v4.1: 2,278 of 1,207,175 alleles (0.19%); highest among the groups gnomAD compares: African/African-American, 3.4%; 25 homozygotes.

Submissions (13):

Labcorp Genetics (formerly Invitae), Labcorp
Classification: Benign for Duchenne muscular dystrophy. Last evaluated: 2026-02-04. Review status: criteria provided, single submitter. Criteria: Invitae Variant Classification Sherloc (09022015). Collection method: clinical testing. Allele origin: germline.

Molecular Diagnostic Laboratory for Inherited Cardiovascular Disease, Montreal Heart Institute
Classification: Likely benign. Last evaluated: 2025-04-09. Review status: criteria provided, single submitter. Criteria: ACMG Guidelines, 2015. Collection method: clinical testing. Allele origin: germline. Affected: no.

Mayo Clinic Laboratories, Mayo Clinic
Classification: Benign. Last evaluated: 2024-10-23. Review status: criteria provided, single submitter. Criteria: ACMG Guidelines, 2015. Collection method: clinical testing. Allele origin: germline. Observed: 10 variant alleles.
Comment: BS1, BS2, BP4

ARUP Laboratories, Molecular Genetics and Genomics, ARUP Laboratories
Classification: Benign. Last evaluated: 2023-12-14. Review status: criteria provided, single submitter. Criteria: ARUP Molecular Germline Variant Investigation Process 2024. Collection method: clinical testing. Allele origin: germline.

Athena Diagnostics
Classification: Benign. Last evaluated: 2023-10-20. Review status: criteria provided, single submitter. Criteria: Athena Diagnostics Criteria. Collection method: clinical testing. Allele origin: unknown.

Fulgent Genetics
Classification: Likely benign for Becker muscular dystrophy; Dilated cardiomyopathy 3B; Duchenne muscular dystrophy. Last evaluated: 2022-01-21. Review status: criteria provided, single submitter. Criteria: ACMG Guidelines, 2015. Collection method: clinical testing. Allele origin: unknown.

Women's Health and Genetics/Laboratory Corporation of America, LabCorp
Classification: Benign. Last evaluated: 2021-04-18. Review status: criteria provided, single submitter. Criteria: LabCorp Variant Classification Summary - May 2015. Collection method: clinical testing. Allele origin: germline.
Comment: Variant summary: DMD c.6322C>T (p.Arg2108Cys) results in a non-conservative amino acid change in the encoded protein sequence. Three of five in-silico tools predict a benign effect of the variant on protein function. The variant allele was found at a frequency of 0.0029 in 181372 control chromosomes in the gnomAD database, including 4 homozygotes. The observed variant frequency is approximately 267 fold of the estimated maximal expected allele frequency for a pathogenic variant in DMD causing Dystrophinopathies phenotype (1.1e-05), strongly suggesting that the variant is benign. To our knowledge, no occurrence of c.6322C>T in individuals affected with Dystrophinopathies and no experimental evidence demonstrating its impact on protein function have been reported. Five clinical diagnostic laboratories have submitted clinical-significance assessments for this variant to ClinVar after 2014 without evidence for independent evaluation. All laboratories classified the variant as benign. Based on the evidence outlined above, the variant was classified as benign.

Illumina Laboratory Services, Illumina
Classification: Benign for Dilated cardiomyopathy 3B. Last evaluated: 2018-01-13. Review status: criteria provided, single submitter. Criteria: ICSL Variant Classification Criteria 13 December 2019. Collection method: clinical testing. Allele origin: germline.
Comment: This variant was observed in the ICSL laboratory as part of a predisposition screen in an ostensibly healthy population. It had not been previously curated by ICSL or reported in the Human Gene Mutation Database (HGMD: prior to June 1st, 2018), and was therefore a candidate for classification through an automated scoring system. Utilizing variant allele frequency, disease prevalence and penetrance estimates, and inheritance mode, an automated score was calculated to assess if this variant is too frequent to cause the disease. Based on the score and internal cut-off values, a variant classified as benign is not then subjected to further curation. The score for this variant resulted in a classification of benign for this disease.

Ambry Genetics
Classification: Benign for Cardiovascular phenotype. Last evaluated: 2015-09-09. Review status: criteria provided, single submitter. Criteria: Ambry Variant Classification Scheme 2023. Collection method: clinical testing. Allele origin: germline.

Laboratory for Molecular Medicine, Mass General Brigham Personalized Medicine
Classification: Benign. Last evaluated: 2015-01-13. Review status: criteria provided, single submitter. Criteria: LMM Criteria. Collection method: clinical testing. Allele origin: germline. Observed: 13 variant alleles.
Comment: p.Arg2108Cys in exon 44 of DMD: This variant is not expected to have clinical si gnificance because it has been identified in 3.3% (125/3833) of African American chromosomes by the NHLBI Exome Sequencing Project (/EVS/; dbSNP rs16990169).

GeneDx
Classification: Benign. Last evaluated: 2014-08-06. Review status: criteria provided, single submitter. Criteria: GeneDx Variant Classification (06012015). Collection method: clinical testing. Allele origin: germline. Affected: yes.
Comment: This variant is considered likely benign or benign based on one or more of the following criteria: it is a conservative change, it occurs at a poorly conserved position in the protein, it is predicted to be benign by multiple in silico algorithms, and/or has population frequency not consistent with disease.

Breakthrough Genomics
Classification: Benign. Review status: criteria provided, single submitter. Criteria: ACMG Guidelines, 2015. Collection method: not provided. Allele origin: germline. Inheritance: X-linked inheritance. Affected: yes.

Natera, Inc.
Classification: Likely benign for Becker muscular dystrophy; Cardiomyopathy; Duchenne muscular dystrophy; Dystrophin deficiency. Last evaluated: 2017-04-20. Review status: no assertion criteria provided. Collection method: clinical testing. Allele origin: germline. Not counted in ClinVar's aggregate classification.

Literature cited by the submitters: PubMed 19937601 (cited by Women's Health and Genetics/Laboratory Corporation of America, LabCorp).